The following is an entry in ClinVar:

ClinVar aggregate classification (germline): Uncertain significance (1 of 4 stars; one submission).

Conditions:
Charcot-Marie-Tooth disease type 2. Also called: Charcot-Marie-Tooth type 2. Identifiers: Orphanet 64746, MedGen C0270914, MONDO:0018993.

Submission:

Labcorp Genetics (formerly Invitae), Labcorp
Classification: Uncertain significance for Charcot-Marie-Tooth disease type 2. Last evaluated: 2024-02-15. Review status: criteria provided, single submitter. Criteria: Invitae Variant Classification Sherloc (09022015). Collection method: clinical testing. Allele origin: germline.
Comment: This sequence change replaces glycine, which is neutral and non-polar, with aspartic acid, which is acidic and polar, at codon 495 of the AARS protein (p.Gly495Asp). This variant is present in population databases (rs778057316, gnomAD 0.0009%). This variant has not been reported in the literature in individuals affected with AARS-related conditions. An algorithm developed to predict the effect of missense changes on protein structure and function (PolyPhen-2) suggests that this variant is likely to be disruptive. In summary, the available evidence is currently insufficient to determine the role of this variant in disease. Therefore, it has been classified as a Variant of Uncertain Significance.

NM_001605.3(AARS1):c.1484G>A (p.Gly495Asp)

Gene: AARS1 (alanyl-tRNA synthetase 1; minus strand). Cytogenetic location: 16q22.1.
Variant type: single nucleotide variant.
Coding change: c.1484G>A on transcript NM_001605.3 (MANE Select); coding-DNA position 1484, G replaced by A.
Protein change: p.Gly495Asp; replaces glycine 495 with aspartic acid.
Molecular consequence: missense variant.
Genome position (GRCh38, 1-based): chr16:70,264,966, C>T on the plus strand (G>A on the coding strand, the complement: AARS1 is on the minus strand). VCF-style: chr16-70264966-C-T. GRCh37 (hg19) VCF-style: chr16-70298869-C-T.
Other names: short protein forms G495D.
Identifiers: ClinVar variation 3641101 (VCV003641101.2).